The following is an entry in ClinVar:

ClinVar aggregate classification (germline): Likely benign. Review status: criteria provided, single submitter (1 of 4 stars). 2 submissions from 2 submitters: Likely benign (1). 1 of the submissions does not count toward it. Last evaluated 2024-09-12.

Conditions:
NRXN1-related disorder.
Pitt-Hopkins-like syndrome 2 (PTHSL2). Identifiers: Orphanet 221150, Orphanet 600663, MedGen C3280479, MONDO:0013690, OMIM 614325.

Allele frequency attached by ClinVar (database versions not stated): gnomAD 0.00001 and 0.00003; TOPMed 0.00003; 1000 Genomes Project 0.00020; 1000 Genomes Project 30x 0.00031.
gnomAD v4.1: 15 of 1,603,712 alleles (0.00094%); highest among the groups gnomAD compares: Middle Eastern, 0.017%; no homozygotes.

Submissions (2):

Labcorp Genetics (formerly Invitae), Labcorp
Classification: Likely benign for Pitt-Hopkins-like syndrome 2. Last evaluated: 2024-09-12. Review status: criteria provided, single submitter. Criteria: Invitae Variant Classification Sherloc (09022015). Collection method: clinical testing. Allele origin: germline.

PreventionGenetics, part of Exact Sciences
Classification: Likely benign for NRXN1-related condition. Last evaluated: 2019-08-14. Review status: no assertion criteria provided. Collection method: clinical testing. Allele origin: germline. Not counted in ClinVar's aggregate classification.
Comment: This variant is classified as likely benign based on ACMG/AMP sequence variant interpretation guidelines (Richards et al. 2015 PMID: 25741868, with internal and published modifications).

NM_001330078.2(NRXN1):c.3228C>T (p.Ile1076=)

Gene: NRXN1 (neurexin 1; minus strand). Cytogenetic location: 2p16.3.
Variant type: single nucleotide variant.
Coding change: c.3228C>T on transcript NM_001330078.2 (MANE Select); coding-DNA position 3228, C replaced by T.
Protein change: p.Ile1076=; no amino-acid change (isoleucine 1076 retained).
Molecular consequence: synonymous variant.
Genome position (GRCh38, 1-based): chr2:50,472,314, G>A on the plus strand (C>T on the coding strand, the complement: NRXN1 is on the minus strand). VCF-style: chr2-50472314-G-A. GRCh37 (hg19) VCF-style: chr2-50699452-G-A.
Other names: c.3348C>T (NM_001135659.2); c.3348C>T, p.Ile1116= (NM_001135659.3); c.3204C>T, p.Ile1068= (NM_001330077.2, NM_001330082.2); c.3162C>T, p.Ile1054= (NM_001330083.2, NM_001330084.2); c.3201C>T, p.Ile1067= (NM_001330085.2); c.3228C>T, p.Ile1076= (NM_001330086.2, NM_004801.6); c.3117C>T, p.Ile1039= (NM_001330087.2, NM_001330096.2); c.3147C>T, p.Ile1049= (NM_001330088.2); and 3 more.
Identifiers: ClinVar variation 1650418 (VCV001650418.10), dbSNP rs201241923, ClinGen allele CA1654640.
Genomic context (GRCh38, chr2:50,472,314, plus strand): 5'-GTGGAATTAGAATTATTTAGAGCATGATGACAAAAATCTAATACCTTCACATCCTCTCTC[G>A]ATCTGTCCGTTGCAGAAAAGAGCATCGGAGATGAGGTCCGGAAGCCGTCCATTTAAATCA-3'
Protein context (NP_001317007.1, residues 1066-1086): ISDALFCNGQ[Ile1076=]ERGCEGPSTT